The following is an entry in ClinVar:

NM_001001671.4(MAP3K15):c.3117A>G (p.Glu1039=)

Gene: MAP3K15 (mitogen-activated protein kinase kinase kinase 15; minus strand). Cytogenetic location: Xp22.12.
Variant type: single nucleotide variant.
Coding change: c.3117A>G on transcript NM_001001671.4 (MANE Select); coding-DNA position 3117, A replaced by G.
Protein change: p.Glu1039=; no amino-acid change (glutamic acid 1039 retained).
Molecular consequence: synonymous variant.
Genome position (GRCh38, 1-based): chrX:19,371,522, T>C on the plus strand (A>G on the coding strand, the complement: MAP3K15 is on the minus strand). VCF-style: chrX-19371522-T-C. GRCh37 (hg19) VCF-style: chrX-19389640-T-C.
Identifiers: ClinVar variation 2660128 (VCV002660128.24), dbSNP rs766743442, ClinGen allele CA10363534.

ClinVar aggregate classification (germline): Likely benign (1 of 4 stars; one submission).

Allele frequency attached by ClinVar (database versions not stated): TOPMed 0.00001; gnomAD 0.00003; gnomAD exomes 0.00011; ExAC 0.00025; 1000 Genomes Project 30x 0.00042; 1000 Genomes Project 0.00053.
gnomAD v4.1: 119 of 1,194,691 alleles (0.01%); highest among the groups gnomAD compares: South Asian, 0.2%; no homozygotes.

Submission:

CeGaT Center for Human Genetics Tuebingen
Classification: Likely benign. Last evaluated: 2023-03-01. Review status: criteria provided, single submitter. Criteria: CeGaT Center For Human Genetics Tuebingen Variant Classification Criteria Version 2. Collection method: clinical testing. Allele origin: germline. Affected: yes. Observed: 2 variant alleles.
Comment: MAP3K15: BP4, BS2